The following is an entry in ClinVar:

NM_002880.4(RAF1):c.1668+14G>C

Gene: RAF1 (Raf-1 proto-oncogene, serine/threonine kinase; minus strand). Cytogenetic location: 3p25.2.
Variant type: single nucleotide variant.
Coding change: c.1668+14G>C on transcript NM_002880.4 (MANE Select); 14 bases into the intron after coding-DNA position 1668, G replaced by C.
Molecular consequence: intron variant.
Genome position (GRCh38, 1-based): chr3:12,585,108, C>G on the plus strand (G>C on the coding strand, the complement: RAF1 is on the minus strand). VCF-style: chr3-12585108-C-G. GRCh37 (hg19) VCF-style: chr3-12626607-C-G.
Other names: c.1326+14G>C (NM_001354695.3); c.1425+14G>C (NM_001354692.3, NM_001354691.3); c.1485+14G>C (NM_001354694.3); c.1569+14G>C (NM_001354693.3); c.1728+14G>C (NM_001354689.3); c.1668+14G>C (NM_001354690.3).
Identifiers: ClinVar variation 380701 (VCV000380701.10), dbSNP rs1057520886, ClinGen allele CA16604444.
Genomic context (GRCh38, chr3:12,585,108, plus strand): 5'-CCTCTAGCTGCTTAGGCTGGCGGAGGCCCAGGGGCTCCCACGAGTTGGGTCCTTTCGCAC[C>G]AGCACAGACTTACCTGATCTCGGTTGTTGATGTGAGAATAAGGAAGCTCCCCCGTCATCA-3'

ClinVar aggregate classification (germline): Likely benign. Review status: criteria provided, multiple submitters, no conflicts (2 of 4 stars). 2 submissions from 2 submitters: Likely benign (2). Last evaluated 2025-11-12.

Conditions:
RASopathy. Also called: rasopathies; Noonan spectrum disorder. Identifiers: Orphanet 536391, MedGen C5555857, MONDO:0021060.

Allele frequency attached by ClinVar (database versions not stated): gnomAD exomes below 0.00001; gnomAD 0.00001; TOPMed 0.00002.
gnomAD v4.1: 5 of 1,614,002 alleles (0.00031%); highest among the groups gnomAD compares: Admixed American, 0.0017%; no homozygotes.

Submissions (2):

Labcorp Genetics (formerly Invitae), Labcorp
Classification: Likely benign for RASopathy. Last evaluated: 2025-11-12. Review status: criteria provided, single submitter. Criteria: Invitae Variant Classification Sherloc (09022015). Collection method: clinical testing. Allele origin: germline.

GeneDx
Classification: Likely benign. Last evaluated: 2015-10-22. Review status: criteria provided, single submitter. Criteria: GeneDx Variant Classification (06012015). Collection method: clinical testing. Allele origin: germline. Affected: yes.
Comment: This variant is considered likely benign or benign based on one or more of the following criteria: it is a conservative change, it occurs at a poorly conserved position in the protein, it is predicted to be benign by multiple in silico algorithms, and/or has population frequency not consistent with disease.